The following is an entry in ClinVar:

ClinVar aggregate classification (germline): Pathogenic/Likely pathogenic. Review status: criteria provided, multiple submitters, no conflicts (2 of 4 stars). 4 submissions from 4 submitters: Pathogenic (1); Likely pathogenic (2). 1 of the submissions does not count toward it. Last evaluated 2025-08-27.

Conditions:
Primary ciliary dyskinesia. Also called: Ciliary dyskinesia. Identifiers: Orphanet 244, MedGen C0008780, MONDO:0016575, HP:0012265.
Primary ciliary dyskinesia 3. Identifiers: Orphanet 244, MedGen C1837618, MONDO:0012085, OMIM 608644.
DNAH5-related disorder. Also called: DNAH5-related condition.

Allele frequency attached by ClinVar (database versions not stated): TOPMed below 0.00001; ExAC 0.00001; gnomAD exomes 0.00001; ESP Exome Variant Server 0.00008.
gnomAD v4.1: 1 of 1,611,302 alleles (0.000062%); no homozygotes.

Submissions (4):

Ambry Genetics
Classification: Likely pathogenic for Primary ciliary dyskinesia. Last evaluated: 2025-08-27. Review status: criteria provided, single submitter. Criteria: Ambry Variant Classification Scheme 2023. Collection method: clinical testing. Allele origin: germline.
Comment: The c.11029-2A>T intronic variant results from an A to T substitution two nucleotides before coding exon 65 in the DNAH5 gene. Alterations that disrupt the canonical splice site are expected to result in aberrant splicing. In silico splice site analysis predicts that this alteration will weaken the native splice acceptor site and may result in the creation or strengthening of a novel splice acceptor site. A resulting transcript is predicted to be in-frame and is not expected to trigger nonsense-mediated mRNAdecay; although, direct evidence is unavailable. This variant has been identified in the homozygous state and/or in conjunction with other DNAH5 variant(s) in individual(s) with features consistent with primary ciliary dyskinesia (in at least one instance, the variants were identified in trans), and segregated with disease in at least one family (Zhang X et al. Front Pharmacol. 2025 Jun;16:1526675; Ambry internal data). This variant is considered to be rare based on population cohorts in the Genome Aggregation Database (gnomAD). This nucleotide position is highly conserved in available vertebrate species. Based on the majority of available evidence to date, this variant is likely to be pathogenic.

Labcorp Genetics (formerly Invitae), Labcorp
Classification: Pathogenic for Primary ciliary dyskinesia. Last evaluated: 2023-11-24. Review status: criteria provided, single submitter. Criteria: Invitae Variant Classification Sherloc (09022015). Collection method: clinical testing. Allele origin: germline.
Comment: This sequence change affects an acceptor splice site in intron 64 of the DNAH5 gene. It is expected to disrupt RNA splicing. Variants that disrupt the donor or acceptor splice site typically lead to a loss of protein function (PMID: 16199547), and loss-of-function variants in DNAH5 are known to be pathogenic (PMID: 11788826, 16627867). This variant is present in population databases (rs369312501, gnomAD 0.002%). Disruption of this splice site has been observed in individual(s) with clinical features of primary ciliary dyskinesia (Invitae). ClinVar contains an entry for this variant (Variation ID: 645014). Algorithms developed to predict the effect of sequence changes on RNA splicing suggest that this variant may disrupt the consensus splice site. For these reasons, this variant has been classified as Pathogenic.

Juno Genomics, Hangzhou Juno Genomics, Inc
Classification: Likely pathogenic for Primary ciliary dyskinesia 3. Review status: criteria provided, single submitter. Criteria: ACMG Guidelines, 2015. Collection method: clinical testing. Allele origin: germline.
Comment: Absent from controls (or at extremely low frequency if recessive) in Genome Aggregation Database.;Null variant in a gene where loss of function (LOF) is a known mechanism of disease.;For recessive disorders, detected in trans with a pathogenic variant.;Patient's phenotype or family history is highly specific for a disease with a single genetic etiology.

PreventionGenetics, part of Exact Sciences
Classification: Likely pathogenic for DNAH5-related condition. Last evaluated: 2024-02-05. Review status: no assertion criteria provided. Collection method: clinical testing. Allele origin: germline. Not counted in ClinVar's aggregate classification.
Comment: The DNAH5 c.11029-2A>T variant is predicted to disrupt the AG splice acceptor site and interfere with normal splicing. This variant has not been reported in the literature. This variant is reported in 0.0018% of alleles in individuals of European (Non-Finnish) descent in gnomAD. Variants that disrupt the consensus splice acceptor site in DNAH5 are expected to be pathogenic. This variant is interpreted as likely pathogenic.

Literature cited by the submitters: PubMed 40584616 (cited by Ambry Genetics); PubMed 16199547 (cited by Labcorp Genetics (formerly Invitae), Labcorp); PubMed 11788826 (cited by Labcorp Genetics (formerly Invitae), Labcorp); PubMed 16627867 (cited by Labcorp Genetics (formerly Invitae), Labcorp).

NM_001369.3(DNAH5):c.11029-2A>T

Gene: DNAH5 (dynein axonemal heavy chain 5; minus strand). Cytogenetic location: 5p15.2.
Variant type: single nucleotide variant.
Coding change: c.11029-2A>T on transcript NM_001369.3 (MANE Select); the canonical splice acceptor site of the intron before coding-DNA position 11029, A replaced by T.
Molecular consequence: splice acceptor variant.
Genome position (GRCh38, 1-based): chr5:13,751,262, T>A on the plus strand (A>T on the coding strand, the complement: DNAH5 is on the minus strand). VCF-style: chr5-13751262-T-A. GRCh37 (hg19) VCF-style: chr5-13751371-T-A.
Identifiers: ClinVar variation 645014 (VCV000645014.19), dbSNP rs369312501, ClinGen allele CA3202064.